The following is an entry in ClinVar:

ClinVar aggregate classification (germline): Uncertain significance (1 of 4 stars; one submission).

Conditions:
Spermatogenic failure 18. Identifiers: MedGen C4539783, MONDO:0054615, OMIM 617576.
Ciliary dyskinesia, primary, 37 (CILD37). Also called: CILIARY DYSKINESIA, PRIMARY, 37, WITH OR WITHOUT SITUS INVERSUS. Identifiers: MedGen C4539798, MONDO:0033204, OMIM 617577.

Allele frequency attached by ClinVar (database versions not stated): TOPMed 0.00001; gnomAD exomes 0.00002; gnomAD 0.00003.
gnomAD v4.1: 39 of 1,575,776 alleles (0.0025%); highest among the groups gnomAD compares: Middle Eastern, 0.066%; no homozygotes.

Submission:

Labcorp Genetics (formerly Invitae), Labcorp
Classification: Uncertain significance for Ciliary dyskinesia, primary, 37; Spermatogenic failure 18. Last evaluated: 2022-08-11. Review status: criteria provided, single submitter. Criteria: Invitae Variant Classification Sherloc (09022015). Collection method: clinical testing. Allele origin: germline.
Comment: This sequence change falls in intron 20 of the DNAH1 gene. It does not directly change the encoded amino acid sequence of the DNAH1 protein. It affects a nucleotide within the consensus splice site. This variant is present in population databases (rs763908573, gnomAD 0.004%). This variant has not been reported in the literature in individuals affected with DNAH1-related conditions. Variants that disrupt the consensus splice site are a relatively common cause of aberrant splicing (PMID: 17576681, 9536098). Algorithms developed to predict the effect of sequence changes on RNA splicing suggest that this variant is not likely to affect RNA splicing. In summary, the available evidence is currently insufficient to determine the role of this variant in disease. Therefore, it has been classified as a Variant of Uncertain Significance.

Literature cited by the submitters: PubMed 17576681; PubMed 9536098.

NM_015512.5(DNAH1):c.3480+4G>A

Gene: DNAH1 (dynein axonemal heavy chain 1; plus strand). Cytogenetic location: 3p21.1.
Variant type: single nucleotide variant.
Coding change: c.3480+4G>A on transcript NM_015512.5 (MANE Select); 4 bases into the intron after coding-DNA position 3480, G replaced by A.
Molecular consequence: intron variant.
Genome position (GRCh38, 1-based): chr3:52,353,637, G>A. VCF-style: chr3-52353637-G-A. GRCh37 (hg19) VCF-style: chr3-52387653-G-A.
Identifiers: ClinVar variation 2083887 (VCV002083887.1), dbSNP rs763908573, ClinGen allele CA2433576.
Genomic context (GRCh38, chr3:52,353,637, plus strand): 5'-ATCGAGAGCATCAGCAAGGTGGCTGAGGTGGCTGGCAAGGAGTACGCCATCGAGCAGGTG[G>A]GTAGCCACCAGCGGGCCCAGCCACTCCAGCCAGGCCCTGCCGGACAGCCTGACCTCCTGC-3'